The following is an entry in ClinVar:

ClinVar aggregate classification (germline): Uncertain significance (1 of 4 stars; one submission).

Conditions:
Rubinstein-Taybi syndrome due to EP300 haploinsufficiency. Also called: EP300-Related Rubinstein-Taybi Syndrome; RUBINSTEIN-TAYBI SYNDROME 2. Identifiers: Orphanet 353284, Orphanet 783, MedGen C3150941, MONDO:0013364, OMIM 613684.

Submission:

Labcorp Genetics (formerly Invitae), Labcorp
Classification: Uncertain significance for Rubinstein-Taybi syndrome due to EP300 haploinsufficiency. Last evaluated: 2023-03-01. Review status: criteria provided, single submitter. Criteria: Invitae Variant Classification Sherloc (09022015). Collection method: clinical testing. Allele origin: germline.
Comment: In summary, the available evidence is currently insufficient to determine the role of this variant in disease. Therefore, it has been classified as a Variant of Uncertain Significance. Advanced modeling of protein sequence and biophysical properties (such as structural, functional, and spatial information, amino acid conservation, physicochemical variation, residue mobility, and thermodynamic stability) performed at Invitae indicates that this missense variant is not expected to disrupt EP300 protein function. This variant has not been reported in the literature in individuals affected with EP300-related conditions. This variant is not present in population databases (gnomAD no frequency). This sequence change replaces proline, which is neutral and non-polar, with threonine, which is neutral and polar, at codon 989 of the EP300 protein (p.Pro989Thr).

NM_001429.4(EP300):c.2965C>A (p.Pro989Thr)

Genes: EP300 (EP300 lysine acetyltransferase; plus strand), LOC126863158 (BRD4-independent group 4 enhancer GRCh37_chr22:41547383-41548582; plus strand). Cytogenetic location: 22q13.2.
Variant type: single nucleotide variant.
Coding change: c.2965C>A on transcript NM_001429.4 (MANE Select); coding-DNA position 2965, C replaced by A.
Protein change: p.Pro989Thr; replaces proline 989 with threonine.
Molecular consequence: missense variant.
Genome position (GRCh38, 1-based): chr22:41,151,980, C>A. VCF-style: chr22-41151980-C-A. GRCh37 (hg19) VCF-style: chr22-41547984-C-A.
Other names: c.2887C>A, p.Pro963Thr (NM_001362843.2); short protein forms P963T, P989T.
Identifiers: ClinVar variation 2794338 (VCV002794338.3), dbSNP rs2059048566, ClinGen allele CA411693066.